The following is an entry in ClinVar:

ClinVar aggregate classification (germline): Pathogenic. Review status: reviewed by expert panel (3 of 4 stars). 3 submissions from 3 submitters: Pathogenic (1). 2 of the submissions do not count toward it. Last evaluated 2017-12-15.

Conditions:
Breast-ovarian cancer, familial, susceptibility to, 1 (BROVCA1). Also called: OVARIAN CANCER, SUSCEPTIBILITY TO; BRCA1 Hereditary Breast and Ovarian Cancer. Identifiers: Orphanet 145, MedGen C2676676, MONDO:0011450, OMIM 604370. Disease mechanism: loss of function.
Familial cancer of breast. Also called: Hereditary breast cancer; hereditary breast carcinoma; BREAST CANCER, FAMILIAL. Identifiers: Orphanet 227535, MedGen C0346153, MONDO:0016419, OMIM 114480. Disease mechanism: loss of function.

Submissions (3):

Evidence-based Network for the Interpretation of Germline Mutant Alleles (ENIGMA)
Classification: Pathogenic for Breast-ovarian cancer, familial, susceptibility to, 1. Last evaluated: 2017-12-15. Review status: reviewed by expert panel. Criteria: ENIGMA BRCA1/2 Classification Criteria (2017-06-29). Collection method: curation. Allele origin: germline. Study: ENIGMA.
Comment: Variant allele predicted to encode a truncated non-functional protein.

GeneKor MSA
Classification: Pathogenic. Last evaluated: 2020-01-01. Review status: criteria provided, single submitter. Criteria: ACMG Guidelines, 2015. Collection method: clinical testing. Allele origin: germline. Not counted in ClinVar's aggregate classification.
Comment: This variant is a single base pair deletion at amino acid residue 733 of the BRCA1 gene. It results in a frame-shift creating a new stop codon after 3 amino acids, thus expected to result in a truncated, non-functional protein. Truncating variants in BRCA1 are known to be pathogenic. This variant is also known as c. 2314delA in the literature and it has been reported in one individual affected with ovarian cancer (PMID: 11733976).

ClinVar Staff, National Center for Biotechnology Information (NCBI)
No classification provided. Condition: Familial cancer of breast. Review status: no classification provided. Collection method: literature only. Allele origin: germline. Affected: yes. Not counted in ClinVar's aggregate classification.

Literature cited by the submitters: PubMed 11733976 (cited by ClinVar Staff, National Center for Biotechnology Information (NCBI)).

NM_007294.4(BRCA1):c.2196del (p.Glu733fs)

Gene: BRCA1 (BRCA1 DNA repair associated; minus strand). Cytogenetic location: 17q21.31.
Variant type: Deletion.
Coding change: c.2196del on transcript NM_007294.4 (MANE Select); coding-DNA position 2196, one base deleted (A; older notation c.2196delA).
Protein change: p.Glu733fs; shifts the reading frame from glutamic acid 733.
Molecular consequence: frameshift variant. On other transcripts: intron variant (137).
Genome position (GRCh38, 1-based): chr17:43,093,335, T deleted on the plus strand (A on the coding strand, the reverse complement: BRCA1 is on the minus strand); the first of 2 consecutive T bases (chr17:43,093,335-43,093,336); deleting either gives the same sequence. VCF-style (leftmost placement, unchanged base first): chr17-43093334-CT-C. GRCh37 (hg19) VCF-style: chr17-41245351-CT-C.
Other names: c.2196delA (NM_007294.3); c.2073del, p.Glu692fs (NM_001407669.1, NM_001407674.1, NM_001407675.1 and 19 more transcripts); c.2070del, p.Glu691fs (NM_001407670.1, NM_001407671.1, NM_001407672.1 and 11 more transcripts); c.2196del, p.Glu733fs (NM_001407684.1, NM_001407854.1, NM_001407858.1 and 30 more transcripts); c.2055del, p.Glu686fs (NM_001407692.1, NM_001407694.1, NM_001407695.1 and 29 more transcripts); c.2052del, p.Glu685fs (NM_001407740.1, NM_001407741.1, NM_001407742.1 and 20 more transcripts); c.1983del, p.Glu662fs (NM_001407853.1, NM_001407894.1, NM_001407895.1 and 9 more transcripts); c.2193del, p.Glu732fs (NM_001407860.1, NM_001407861.1, NM_001407587.1 and 22 more transcripts); and 42 more; short protein forms E686fs, E733fs, E605fs, E622fs, E644fs, E645fs, E663fs, E691fs.
Identifiers: ClinVar variation 54493 (VCV000054493.4), dbSNP rs397508948, ClinGen allele CA001466.